The following is an entry in ClinVar:

ClinVar aggregate classification (germline): Likely benign (1 of 4 stars; one submission).

Allele frequency attached by ClinVar (database versions not stated): 1000 Genomes Project 30x 0.00016; 1000 Genomes Project 0.00020; gnomAD 0.00082; TOPMed 0.00089; gnomAD exomes 0.00102; ExAC 0.00118; ESP Exome Variant Server 0.00132.
gnomAD v4.1: 1,621 of 1,613,324 alleles (0.1%); highest among the groups gnomAD compares: Middle Eastern, 0.23%; 4 homozygotes.

Submission:

CeGaT Center for Human Genetics Tuebingen
Classification: Likely benign. Last evaluated: 2022-12-01. Review status: criteria provided, single submitter. Criteria: CeGaT Center For Human Genetics Tuebingen Variant Classification Criteria Version 2. Collection method: clinical testing. Allele origin: germline. Affected: yes. Observed: 1 variant allele.
Comment: MROH9: BP4

NM_001163629.2(MROH9):c.1202A>T (p.Gln401Leu)

Gene: MROH9 (maestro heat like repeat family member 9; plus strand). Cytogenetic location: 1q24.3.
Variant type: single nucleotide variant.
Coding change: c.1202A>T on transcript NM_001163629.2 (MANE Select); coding-DNA position 1202, A replaced by T.
Protein change: p.Gln401Leu; replaces glutamine 401 with leucine.
Molecular consequence: missense variant.
Genome position (GRCh38, 1-based): chr1:170,995,396, A>T. VCF-style: chr1-170995396-A-T. GRCh37 (hg19) VCF-style: chr1-170964537-A-T.
Other names: c.1202A>T, p.Gln401Leu (NM_025063.4); short protein forms Q401L.
Identifiers: ClinVar variation 2639548 (VCV002639548.24), dbSNP rs201544538, ClinGen allele CA1240135.